The following is an entry in ClinVar:

ClinVar aggregate classification (germline): Uncertain significance. Review status: criteria provided, multiple submitters, no conflicts (2 of 4 stars). 4 submissions from 4 submitters: Uncertain significance (4). Last evaluated 2024-09-26.

Conditions:
Inborn genetic diseases. Identifiers: MedGen C0950123, MeSH D030342.
Osteogenesis imperfecta type 8 (OI8). Identifiers: MedGen C1970458, MONDO:0012581, OMIM 610915.

Allele frequency attached by ClinVar (database versions not stated): gnomAD 0.00001; TOPMed 0.00001; ExAC 0.00004; gnomAD exomes 0.00004.
gnomAD v4.1: 68 of 1,608,796 alleles (0.0042%); highest among the groups gnomAD compares: South Asian, 0.055%; 1 homozygote.

Submissions (4):

Ambry Genetics
Classification: Uncertain significance for Inborn genetic diseases. Last evaluated: 2024-09-26. Review status: criteria provided, single submitter. Criteria: Ambry Variant Classification Scheme 2023. Collection method: clinical testing. Allele origin: germline.

Labcorp Genetics (formerly Invitae), Labcorp
Classification: Uncertain significance for Osteogenesis imperfecta type 8. Last evaluated: 2023-10-16. Review status: criteria provided, single submitter. Criteria: Invitae Variant Classification Sherloc (09022015). Collection method: clinical testing. Allele origin: germline.
Comment: This sequence change replaces glutamic acid, which is acidic and polar, with lysine, which is basic and polar, at codon 27 of the P3H1 protein (p.Glu27Lys). This variant is present in population databases (rs746863189, gnomAD 0.03%). This missense change has been observed in individual(s) with clinical features of osteogenesis imperfecta (Invitae). ClinVar contains an entry for this variant (Variation ID: 1312549). Experimental studies and prediction algorithms are not available or were not evaluated, and the functional significance of this variant is currently unknown. In summary, the available evidence is currently insufficient to determine the role of this variant in disease. Therefore, it has been classified as a Variant of Uncertain Significance.

Genome-Nilou Lab
Classification: Uncertain significance for Osteogenesis imperfecta type 8. Last evaluated: 2023-04-11. Review status: criteria provided, single submitter. Criteria: ACMG Guidelines, 2015. Collection method: clinical testing. Allele origin: germline. Affected: no.

GeneDx
Classification: Uncertain significance. Last evaluated: 2020-01-14. Review status: criteria provided, single submitter. Criteria: GeneDx Variant Classification Process June 2021. Collection method: clinical testing. Allele origin: germline. Affected: yes.
Comment: In silico analysis, which includes protein predictors and evolutionary conservation, supports that this variant does not alter protein structure/function; This variant is associated with the following publications: (PMID: 29499418)

NM_022356.4(P3H1):c.79G>A (p.Glu27Lys)

Gene: P3H1 (prolyl 3-hydroxylase 1; minus strand). Cytogenetic location: 1p34.2.
Variant type: single nucleotide variant.
Coding change: c.79G>A on transcript NM_022356.4 (MANE Select); coding-DNA position 79, G replaced by A.
Protein change: p.Glu27Lys; replaces glutamic acid 27 with lysine.
Molecular consequence: missense variant.
Genome position (GRCh38, 1-based): chr1:42,766,893, C>T on the plus strand (G>A on the coding strand, the complement: P3H1 is on the minus strand). VCF-style: chr1-42766893-C-T. GRCh37 (hg19) VCF-style: chr1-43232564-C-T.
Other names: c.79G>A, p.Glu27Lys (NM_001146289.2, NM_001243246.2); short protein forms E27K.
Identifiers: ClinVar variation 1312549 (VCV001312549.9), dbSNP rs746863189, ClinGen allele CA802239.